The following is an entry in ClinVar:

NM_001134831.2(AHI1):c.1497_1498del (p.Tyr499_Tyr500delinsTer)

Gene: AHI1 (Abelson helper integration site 1; minus strand). Cytogenetic location: 6q23.3.
Variant type: Deletion.
Coding change: c.1497_1498del on transcript NM_001134831.2 (MANE Select); coding-DNA positions 1497 to 1498, 2 bases deleted (TT; older notation c.1497_1498delTT).
Protein change: p.Tyr499_Tyr500delinsTer.
Molecular consequence: nonsense.
Genome position (GRCh38, 1-based): chr6:135,448,418-135,448,419, AA deleted on the plus strand (TT on the coding strand, the reverse complement: AHI1 is on the minus strand). VCF-style (leftmost placement, unchanged base first): chr6-135448417-TAA-T. GRCh37 (hg19) VCF-style: chr6-135769555-TAA-T.
Other names: c.1497_1498delTT (NM_017651.4); c.1497_1498del, p.Tyr499_Tyr500delinsTer (NM_001134830.2, NM_001134832.2, NM_001350503.2 and 2 more transcripts).
Identifiers: ClinVar variation 530887 (VCV000530887.8), dbSNP rs905262279, ClinGen allele CA148136800.

ClinVar aggregate classification (germline): Pathogenic. Review status: criteria provided, multiple submitters, no conflicts (2 of 4 stars). 2 submissions from 2 submitters: Pathogenic (2). Last evaluated 2026-05-26.

Conditions:
Joubert syndrome 3 (JBTS3). Also called: AHI1-related Ciliopathy. Identifiers: Orphanet 220493, MedGen C1837713, MONDO:0012078, OMIM 608629.
Joubert syndrome. Also called: JOUBERT-BOLTSHAUSER SYNDROME; Familial aplasia of the vermis. Identifiers: Orphanet 475, MedGen C5979921, MONDO:0018772.

Allele frequency attached by ClinVar (database versions not stated): gnomAD exomes below 0.00001; gnomAD 0.00001; TOPMed 0.00001.

Submissions (2):

Myriad Genetics, Inc.
Classification: Pathogenic for Joubert syndrome 3. Last evaluated: 2026-05-26. Review status: criteria provided, single submitter. Criteria: Myriad Autosomal Dominant, Autosomal Recessive and X-Linked Classification Criteria (2023). Collection method: clinical testing. Allele origin: unknown.
Comment: NM_001134831.1(AHI1):c.1497_1498delTT(Y499*) is a frameshift variant classified as pathogenic in the context of Joubert syndrome, AHI1-related. Y499* has not been observed in cases with relevant disease. Relevant functional assessments of this variant are not available in the literature. Y499* has not been observed in referenced population frequency databases. In summary, NM_001134831.1(AHI1):c.1497_1498delTT(Y499*) is a frameshift variant in a gene where loss of function is a known mechanism of disease and is predicted to disrupt protein function. Please note: this variant was assessed in the context of healthy population screening.

Labcorp Genetics (formerly Invitae), Labcorp
Classification: Pathogenic for Joubert syndrome. Last evaluated: 2024-01-09. Review status: criteria provided, single submitter. Criteria: Invitae Variant Classification Sherloc (09022015). Collection method: clinical testing. Allele origin: germline.
Comment: This sequence change creates a premature translational stop signal (p.Tyr499*) in the AHI1 gene. It is expected to result in an absent or disrupted protein product. Loss-of-function variants in AHI1 are known to be pathogenic (PMID: 15322546, 16453322, 28442542, 29186038). This variant is present in population databases (no rsID available, gnomAD 0.007%). This variant has not been reported in the literature in individuals affected with AHI1-related conditions. ClinVar contains an entry for this variant (Variation ID: 530887). For these reasons, this variant has been classified as Pathogenic.

Literature cited by the submitters: PubMed 15322546 (cited by Labcorp Genetics (formerly Invitae), Labcorp); PubMed 16453322 (cited by Labcorp Genetics (formerly Invitae), Labcorp); PubMed 28442542 (cited by Labcorp Genetics (formerly Invitae), Labcorp); PubMed 29186038 (cited by Labcorp Genetics (formerly Invitae), Labcorp).